The following is an entry in ClinVar:

ClinVar aggregate classification (germline): Uncertain significance (1 of 4 stars; one submission).

Conditions:
Intellectual developmental disorder, autosomal recessive 71. Also called: MENTAL RETARDATION, AUTOSOMAL RECESSIVE 71. Identifiers: MedGen C5193133, MONDO:0032789, OMIM 618504.

Submission:

Juno Genomics, Hangzhou Juno Genomics, Inc
Classification: Uncertain significance for Intellectual developmental disorder, autosomal recessive 71. Review status: criteria provided, single submitter. Criteria: ACMG Guidelines, 2015. Collection method: clinical testing. Allele origin: germline.
Comment: Absent from controls (or at extremely low frequency if recessive) in Genome Aggregation Database.;Null variant in a gene where loss of function (LOF) is a known mechanism of disease.

NM_138775.3(ALKBH8):c.1487del (p.Gly496fs)

Gene: ALKBH8 (alkB homolog 8, tRNA methyltransferase; minus strand). Cytogenetic location: 11q22.3.
Variant type: Deletion.
Coding change: c.1487del on transcript NM_138775.3 (MANE Select); coding-DNA position 1487, one base deleted (G; older notation c.1487delG).
Protein change: p.Gly496fs; shifts the reading frame from glycine 496.
Molecular consequence: frameshift variant. On other transcripts: non-coding transcript variant (6).
Genome position (GRCh38, 1-based): chr11:107,505,166, C deleted on the plus strand (G on the coding strand, the reverse complement: ALKBH8 is on the minus strand); the first of 2 consecutive C bases (chr11:107,505,166-107,505,167); deleting either gives the same sequence. VCF-style (leftmost placement, unchanged base first): chr11-107505165-AC-A. GRCh37 (hg19) VCF-style: chr11-107375891-AC-A.
Other names: c.1337del, p.Gly446fs (NM_001378133.1); c.1487del, p.Gly496fs (NM_001301010.3); short protein forms G446fs, G496fs.
Identifiers: ClinVar variation 5018603 (VCV005018603.2).
Genomic context (GRCh38, chr11:107,505,165, plus strand): 5'-CTTGGACTTCTGCTTATTATATTCTTGTTCCATTGCCCAGACATAAATGAGTGCCTTCCC[AC>A]CTGGTCTCAGGAGTCGAACAATTTCTTGGAGAGCTGCCACTCTACGCTCCTAATGAAAAA-3'